The following is an entry in ClinVar:

ClinVar aggregate classification (germline): Benign (1 of 4 stars; one submission).

Conditions:
Hereditary diffuse gastric adenocarcinoma (HDGC). Also called: DIFFUSE GASTRIC AND LOBULAR BREAST CANCER SYNDROME. Identifiers: Orphanet 26106, MedGen C1708349, MONDO:0007648, OMIM 137215.

Submission:

Myriad Genetics, Inc.
Classification: Benign for Hereditary diffuse gastric adenocarcinoma. Last evaluated: 2024-09-11. Review status: criteria provided, single submitter. Criteria: Myriad Autosomal Dominant, Autosomal Recessive and X-Linked Classification Criteria (2023). Collection method: clinical testing. Allele origin: unknown.
Comment: This variant is considered benign. This variant is a silent/synonymous amino acid change and it is not expected to impact splicing.

NM_004360.5(CDH1):c.129G>T (p.Arg43=)

Gene: CDH1 (cadherin 1; plus strand). Cytogenetic location: 16q22.1.
Variant type: single nucleotide variant.
Coding change: c.129G>T on transcript NM_004360.5 (MANE Select); coding-DNA position 129, G replaced by T.
Protein change: p.Arg43=; no amino-acid change (arginine 43 retained).
Molecular consequence: synonymous variant. On other transcripts: 5 prime UTR variant (2).
Genome position (GRCh38, 1-based): chr16:68,738,377, G>T. VCF-style: chr16-68738377-G-T. GRCh37 (hg19) VCF-style: chr16-68772280-G-T.
Other names: c.129G>T, p.Arg43= (NM_001317184.2); c.-1487G>T (NM_001317185.2); c.-1691G>T (NM_001317186.2).
Identifiers: ClinVar variation 3378927 (VCV003378927.1).